The following is an entry in ClinVar:

NM_016580.4(PCDH12):c.2310T>G (p.Ile770Met)

Genes: PCDH12 (protocadherin 12; minus strand), RNF14 (ring finger protein 14; plus strand). Cytogenetic location: 5q31.3.
Variant type: single nucleotide variant.
Coding change: c.2310T>G on transcript NM_016580.4 (MANE Select); coding-DNA position 2310, T replaced by G.
Protein change: p.Ile770Met; replaces isoleucine 770 with methionine.
Molecular consequence: missense variant.
Genome position (GRCh38, 1-based): chr5:141,955,542, A>C on the plus strand (T>G on the coding strand, the complement: PCDH12 is on the minus strand). VCF-style: chr5-141955542-A-C. GRCh37 (hg19) VCF-style: chr5-141335107-A-C.
Other names: short protein forms I770M.
Identifiers: ClinVar variation 3899161 (VCV003899161.1).
Genomic context (GRCh38, chr5:141,955,542, plus strand): 5'-TTCACAAGGCTCACCTGCCTGACCCCTGAGCACAGGCACGAGGTGGATGTCTGCCTTCTG[A>C]ATGTGTTTCTGGGGCCTCTTGGGCTGCTGGCGGTAGGTGGACTCGGCCTCCCGACAGTTG-3'
Protein context (NP_057664.1, residues 760-780): RQQPKRPQKH[Ile770Met]QKADIHLVPV

ClinVar aggregate classification (germline): Uncertain significance (1 of 4 stars; one submission).

Submission:

GeneDx
Classification: Uncertain significance. Last evaluated: 2024-11-11. Review status: criteria provided, single submitter. Criteria: GeneDx Variant Classification Process June 2021. Collection method: clinical testing. Allele origin: germline. Affected: yes.
Comment: Not observed at significant frequency in large population cohorts (gnomAD); In silico analysis indicates that this missense variant does not alter protein structure/function; Has not been previously published as pathogenic or benign to our knowledge